The following is an entry in ClinVar:

ClinVar aggregate classification (germline): Conflicting classifications of pathogenicity. Review status: criteria provided, conflicting classifications (1 of 4 stars). 2 submissions from 2 submitters: Uncertain significance (1); Likely benign (1). Last evaluated 2025-11-24.

Conditions:
Autosomal dominant nonsyndromic hearing loss 1. Also called: KONIGSMARK SYNDROME; DEAFNESS, AUTOSOMAL DOMINANT 1, WITH OR WITHOUT THROMBOCYTOPENIA. Identifiers: Orphanet 90635, MedGen C1852282, MONDO:0007424, OMIM 124900.
Progressive microcephaly-seizures-cortical blindness-developmental delay syndrome. Also called: Seizures, cortical blindness, and microcephaly syndrome. Identifiers: Orphanet 477814, MedGen C5567650, MONDO:0014714, OMIM 616632.
Inborn genetic diseases. Identifiers: MedGen C0950123, MeSH D030342.

Allele frequency attached by ClinVar (database versions not stated): gnomAD 0.00001; gnomAD exomes 0.00003 and 0.00005; TOPMed 0.00003; ExAC 0.00004.
gnomAD v4.1: 16 of 1,614,034 alleles (0.00099%); highest among the groups gnomAD compares: Admixed American, 0.027%; no homozygotes.

Submissions (2):

Labcorp Genetics (formerly Invitae), Labcorp
Classification: Uncertain significance for Progressive microcephaly-seizures-cortical blindness-developmental delay syndrome; Autosomal dominant nonsyndromic hearing loss 1. Last evaluated: 2025-11-24. Review status: criteria provided, single submitter. Criteria: Invitae Variant Classification Sherloc (09022015). Collection method: clinical testing. Allele origin: germline.
Comment: This sequence change replaces threonine, which is neutral and polar, with lysine, which is basic and polar, at codon 182 of the DIAPH1 protein (p.Thr182Lys). This variant is present in population databases (rs746125273, gnomAD 0.04%). This variant has not been reported in the literature in individuals affected with DIAPH1-related conditions. ClinVar contains an entry for this variant (Variation ID: 1414598). Experimental studies and prediction algorithms are not available or were not evaluated, and the functional significance of this variant is currently unknown. In summary, the available evidence is currently insufficient to determine the role of this variant in disease. Therefore, it has been classified as a Variant of Uncertain Significance.

Ambry Genetics
Classification: Likely benign for Inborn genetic diseases. Last evaluated: 2022-09-29. Review status: criteria provided, single submitter. Criteria: Ambry Variant Classification Scheme 2023. Collection method: clinical testing. Allele origin: germline.

NM_005219.5(DIAPH1):c.545C>A (p.Thr182Lys)

Gene: DIAPH1 (diaphanous related formin 1; minus strand). Cytogenetic location: 5q31.3.
Variant type: single nucleotide variant.
Coding change: c.545C>A on transcript NM_005219.5 (MANE Select); coding-DNA position 545, C replaced by A.
Protein change: p.Thr182Lys; replaces threonine 182 with lysine.
Molecular consequence: missense variant.
Genome position (GRCh38, 1-based): chr5:141,583,281, G>T on the plus strand (C>A on the coding strand, the complement: DIAPH1 is on the minus strand). VCF-style: chr5-141583281-G-T. GRCh37 (hg19) VCF-style: chr5-140962848-G-T.
Other names: c.518C>A, p.Thr173Lys (NM_001079812.3); c.545C>A, p.Thr182Lys (NM_001314007.2); c.545C>A (NM_005219.4); short protein forms T182K, T173K.
Identifiers: ClinVar variation 1414598 (VCV001414598.9), dbSNP rs746125273, ClinGen allele CA3479568.